The following is an entry in ClinVar:

ClinVar aggregate classification (germline): Uncertain significance (1 of 4 stars; one submission).

Conditions:
Hereditary cancer-predisposing syndrome. Also called: Neoplastic Syndromes, Hereditary; Tumor predisposition; Hereditary neoplastic syndrome; Hereditary Cancer Syndrome. Identifiers: Orphanet 140162, MedGen C0027672, MeSH D009386, MONDO:0015356.

Submission:

Ambry Genetics
Classification: Uncertain significance for Hereditary cancer-predisposing syndrome. Last evaluated: 2022-11-02. Review status: criteria provided, single submitter. Criteria: Ambry Variant Classification Scheme 2023. Collection method: clinical testing. Allele origin: germline.
Comment: The p.D705Y variant (also known as c.2113G>T), located in coding exon 15 of the MSH3 gene, results from a G to T substitution at nucleotide position 2113. The aspartic acid at codon 705 is replaced by tyrosine, an amino acid with highly dissimilar properties. This amino acid position is conserved. In addition, this alteration is predicted to be deleterious by in silico analysis. Since supporting evidence is limited at this time, the clinical significance of this alteration remains unclear.

NM_002439.5(MSH3):c.2113G>T (p.Asp705Tyr)

Gene: MSH3 (mutS homolog 3; plus strand). Cytogenetic location: 5q14.1.
Variant type: single nucleotide variant.
Coding change: c.2113G>T on transcript NM_002439.5 (MANE Select); coding-DNA position 2113, G replaced by T.
Protein change: p.Asp705Tyr; replaces aspartic acid 705 with tyrosine.
Molecular consequence: missense variant.
Genome position (GRCh38, 1-based): chr5:80,768,863, G>T. VCF-style: chr5-80768863-G-T. GRCh37 (hg19) VCF-style: chr5-80064682-G-T.
Other names: short protein forms D705Y.
Identifiers: ClinVar variation 2451030 (VCV002451030.2), dbSNP rs2112885119, ClinGen allele CA360279265.
Genomic context (GRCh38, chr5:80,768,863, plus strand): 5'-CGAATATGTATTTGCATGTTTTGATTTTTTAGAGTTGGGGATAAAACTGAATTATTTAAA[G>T]ACCTTTCTGACTTCCCTTTAATAAAAAAGAGGAAGGATGAAATTCAAGGTGTTATTGACG-3'
Protein context (NP_002430.3, residues 695-715): KVGDKTELFK[Asp705Tyr]LSDFPLIKKR